The following is an entry in ClinVar:

NM_000163.5(GHR):c.1736del (p.Pro579fs)

Gene: GHR (growth hormone receptor; plus strand). Cytogenetic location: 5p12.
Variant type: Deletion.
Coding change: c.1736del on transcript NM_000163.5 (MANE Select); coding-DNA position 1736, one base deleted (C; older notation c.1736delC).
Protein change: p.Pro579fs; shifts the reading frame from proline 579.
Molecular consequence: frameshift variant. On other transcripts: 3 prime UTR variant (1).
Genome position (GRCh38, 1-based): chr5:42,719,243, C deleted; the last of 2 consecutive C bases (chr5:42,719,242-42,719,243); deleting either gives the same sequence. VCF-style (leftmost placement, unchanged base first): chr5-42719241-GC-G. GRCh37 (hg19) VCF-style: chr5-42719343-GC-G.
Other names: c.1757del, p.Pro586fs (NM_001242399.2); c.1736del, p.Pro579fs (NM_001242400.2, NM_001242401.4, NM_001242402.2 and 4 more transcripts); c.1670delC, p.Pro557Leufs (NM_001242460.2); c.*778del (NM_001242462.1); short protein forms P557fs, P579fs, P586fs.
Identifiers: ClinVar variation 3253329 (VCV003253329.1), dbSNP rs2530783515.

ClinVar aggregate classification (germline): Uncertain significance (1 of 4 stars; one submission).

Submission:

GeneDx
Classification: Uncertain significance. Last evaluated: 2024-04-27. Review status: criteria provided, single submitter. Criteria: GeneDx Variant Classification Process June 2021. Collection method: clinical testing. Allele origin: germline. Affected: yes.
Comment: Not observed at significant frequency in large population cohorts (gnomAD); Frameshift variant predicted to result in protein truncation as the last 60 amino acids are replaced with 21 different amino acids, although loss-of-function variants have not been reported downstream of this position in the protein; Has not been previously published as pathogenic or benign to our knowledge